The following is an entry in ClinVar:

ClinVar aggregate classification (germline): Uncertain significance (1 of 4 stars; one submission).

Conditions:
Hereditary cancer-predisposing syndrome. Also called: Neoplastic Syndromes, Hereditary; Tumor predisposition; Hereditary Cancer Syndrome; Hereditary neoplastic syndrome. Identifiers: Orphanet 140162, MedGen C0027672, MeSH D009386, MONDO:0015356.

Submission:

Ambry Genetics
Classification: Uncertain significance for Hereditary cancer-predisposing syndrome. Last evaluated: 2019-12-20. Review status: criteria provided, single submitter. Criteria: Ambry Variant Classification Scheme 2023. Collection method: clinical testing. Allele origin: germline.
Comment: The p.S618F variant (also known as c.1853C>T), located in coding exon 12 of the PDGFRA gene, results from a C to T substitution at nucleotide position 1853. The serine at codon 618 is replaced by phenylalanine, an amino acid with highly dissimilar properties. This amino acid position is highly conserved in available vertebrate species. In addition, the in silico prediction for this alteration is inconclusive. Since supporting evidence is limited at this time, the clinical significance of this alteration remains unclear.

NM_006206.6(PDGFRA):c.1853C>T (p.Ser618Phe)

Gene: PDGFRA (platelet derived growth factor receptor alpha; plus strand). Cytogenetic location: 4q12.
Variant type: single nucleotide variant.
Coding change: c.1853C>T on transcript NM_006206.6 (MANE Select); coding-DNA position 1853, C replaced by T.
Protein change: p.Ser618Phe; replaces serine 618 with phenylalanine.
Molecular consequence: missense variant.
Genome position (GRCh38, 1-based): chr4:54,277,454, C>T. VCF-style: chr4-54277454-C-T. GRCh37 (hg19) VCF-style: chr4-55143621-C-T.
Other names: c.1853C>T, p.Ser618Phe (NM_001347827.2, NM_001347829.2); c.1928C>T, p.Ser643Phe (NM_001347828.2); c.1892C>T, p.Ser631Phe (NM_001347830.2); short protein forms S631F, S618F, S643F.
Identifiers: ClinVar variation 1781372 (VCV001781372.2), dbSNP rs2110309050, ClinGen allele CA356893463.